The following is an entry in ClinVar:

NM_032270.5(LRRC8C):c.176T>G (p.Val59Gly)

Gene: LRRC8C (leucine rich repeat containing 8 VRAC subunit C; plus strand). Cytogenetic location: 1p22.2.
Variant type: single nucleotide variant.
Coding change: c.176T>G on transcript NM_032270.5 (MANE Select); coding-DNA position 176, T replaced by G.
Protein change: p.Val59Gly; replaces valine 59 with glycine.
Molecular consequence: missense variant.
Genome position (GRCh38, 1-based): chr1:89,712,746, T>G. VCF-style: chr1-89712746-T-G. GRCh37 (hg19) VCF-style: chr1-90178305-T-G.
Other names: short protein forms V59G.
Identifiers: ClinVar variation 4548073 (VCV004548073.3).
Genomic context (GRCh38, chr1:89,712,746, plus strand): 5'-AAAATATTATTTCCATGTTTCAGGTCATGCAAGACAAGATAATCTGCCTTCCGAAAAGAG[T>G]GCAGCCTGCTCAGAACCACTCTTCCCTTTCGAATGTCTCTCAAGCAGTTGCCAGTACCAC-3'
Protein context (NP_115646.3, residues 49-69): QDKIICLPKR[Val59Gly]QPAQNHSSLS

ClinVar aggregate classification (germline): Uncertain significance. Review status: criteria provided, multiple submitters, no conflicts (2 of 4 stars). 2 submissions from 2 submitters: Uncertain significance (2). Last evaluated 2025-11-27.

gnomAD v4.1: 1 of 1,613,982 alleles (0.000062%); highest among the groups gnomAD compares: Admixed American, 0.0017%; no homozygotes.

Submissions (2):

Dasa
Classification: Uncertain significance. Last evaluated: 2025-11-27. Review status: criteria provided, single submitter. Criteria: DASA Assertion Criteria. Collection method: clinical testing. Allele origin: germline.
Comment: NM_032270.5(LRRC8C):c.176T>G (p.Val59Gly) is a missense variant that results in the substitution of valine with glycine. This variant is rare in population databases. Computational prediction algorithms are consistent with a benign effect. The currently available literature and clinical evidence are not sufficient to establish a definitive association between this variant and the reported condition. Therefore, this variant is classified as a variant of uncertain significance.

Ambry Genetics
Classification: Uncertain significance. Last evaluated: 2025-11-26. Review status: criteria provided, single submitter. Criteria: Ambry Variant Classification Scheme 2023. Collection method: clinical testing. Allele origin: germline.